The following is an entry in ClinVar:

NM_003000.3(SDHB):c.147A>G (p.Pro49=)

Gene: SDHB (succinate dehydrogenase complex iron sulfur subunit B; minus strand). Cytogenetic location: 1p36.13.
Variant type: single nucleotide variant.
Coding change: c.147A>G on transcript NM_003000.3 (MANE Select); coding-DNA position 147, A replaced by G.
Protein change: p.Pro49=; no amino-acid change (proline 49 retained).
Molecular consequence: synonymous variant.
Genome position (GRCh38, 1-based): chr1:17,044,814, T>C on the plus strand (A>G on the coding strand, the complement: SDHB is on the minus strand). VCF-style: chr1-17044814-T-C. GRCh37 (hg19) VCF-style: chr1-17371309-T-C.
Other names: c.147A>G (NM_003000.2).
Identifiers: ClinVar variation 1126100 (VCV001126100.8), dbSNP rs2101541448, ClinGen allele CA416046888.

ClinVar aggregate classification (germline): Likely benign. Review status: criteria provided, multiple submitters, no conflicts (2 of 4 stars). 2 submissions from 2 submitters: Likely benign (2). Last evaluated 2026-01-11.

Conditions:
SDHB-related disorder. Also called: SDHB-related condition; SDHB-related disorders. Identifiers: MedGen CN239418.
Pheochromocytoma. Also called: MAX-Related Hereditary Paraganglioma-Pheochromocytoma Syndrome. Identifiers: Orphanet 29072, MedGen C0031511, MONDO:0008233, OMIM 171300, HP:0002666.
Gastrointestinal stromal tumor. Also called: Gastrointestinal stroma tumor; Gastrointestinal stromal tumor, somatic. Identifiers: Orphanet 44890, MedGen C0238198, MeSH D046152, MONDO:0011719, OMIM 606764, HP:0100723.
Pheochromocytoma/paraganglioma syndrome 4. Also called: CAROTID BODY TUMORS AND MULTIPLE EXTRAADRENAL PHEOCHROMOCYTOMAS; SDHB-Related Hereditary Paraganglioma-Pheochromocytoma Syndrome (Paragangliomas 4); SDHB-Related Hereditary Paraganglioma-Pheochromocytoma Syndrome; PARAGANGLIOMA, FAMILIAL MALIGNANT; PARAGANGLIOMAS, HEREDITARY EXTRAADRENAL; PHEOCHROMOCYTOMA, FAMILIAL EXTRAADRENAL. Identifiers: Orphanet 29072, MedGen C1861848, MONDO:0007273, OMIM 115310.

Submissions (2):

PreventionGenetics, part of Exact Sciences
Classification: Likely benign for SDHB-related condition. Last evaluated: 2026-01-11. Review status: criteria provided, single submitter. Criteria: ACMG Guidelines, 2015. Collection method: clinical testing. Allele origin: germline.
Comment: This variant is classified as likely benign based on ACMG/AMP sequence variant interpretation guidelines (Richards et al. 2015 PMID: 25741868, with internal and published modifications).

Labcorp Genetics (formerly Invitae), Labcorp
Classification: Likely benign for Gastrointestinal stromal tumor; Pheochromocytoma/paraganglioma syndrome 4; Pheochromocytoma. Last evaluated: 2019-12-19. Review status: criteria provided, single submitter. Criteria: Invitae Variant Classification Sherloc (09022015). Collection method: clinical testing. Allele origin: germline.